The following is an entry in ClinVar:

NM_000283.4(PDE6B):c.2353-18_2354del

Gene: PDE6B (phosphodiesterase 6B; plus strand). Cytogenetic location: 4p16.3.
Variant type: Deletion.
Coding change: c.2353-18_2354del on transcript NM_000283.4 (MANE Select); 18 bases into the intron before coding-DNA position 2353 through coding-DNA position 2354, 20 bases deleted (CTTCTCGACTCCCCTCAGGA).
Molecular consequence: splice acceptor variant.
Genome position (GRCh38, 1-based): chr4:667,838-667,857, CTTCTCGACTCCCCTCAGGA deleted; deleting any 20 consecutive bases within chr4:667,836-667,857 gives the same sequence; the c. name uses the placement nearest the transcript's 3' end. VCF-style (leftmost placement, unchanged base first): chr4-667835-TGACTTCTCGACTCCCCTCAG-T. GRCh37 (hg19) VCF-style: chr4-661624-TGACTTCTCGACTCCCCTCAG-T.
Other names: c.2353-18_2354del (NM_001145291.2); c.1516-18_1517del (NM_001379246.1, NM_001379247.1, NM_001145292.2 and 1 more transcripts); c.1198-18_1199del (NM_001350155.3); c.2353-18_2354del20 (NM_000283.3).
Identifiers: ClinVar variation 858775 (VCV000858775.13), dbSNP rs1174120641, ClinGen allele CA797566951.

ClinVar aggregate classification (germline): Pathogenic/Likely pathogenic. Review status: criteria provided, multiple submitters, no conflicts (2 of 4 stars). 3 submissions from 3 submitters: Pathogenic (1); Likely pathogenic (2). Last evaluated 2025-08-12.

Conditions:
PDE6B-related disorder. Also called: PDE6B-related disease; PDE6B-related condition; PDE6B-related disorders.

Submissions (3):

Labcorp Genetics (formerly Invitae), Labcorp
Classification: Likely pathogenic. Last evaluated: 2025-08-12. Review status: criteria provided, single submitter. Criteria: Invitae Variant Classification Sherloc (09022015). Collection method: clinical testing. Allele origin: germline.
Comment: This variant results in the deletion of part of exon 21 (c.2353-18_2354del) of the PDE6B gene. It is expected to disrupt RNA splicing. Variants that disrupt the donor or acceptor splice site typically lead to a loss of protein function (PMID: 16199547), and loss-of-function variants in PDE6B are known to be pathogenic (PMID: 8394174, 8595886, 22334370). This variant is not present in population databases (gnomAD no frequency). This variant has been observed in individual(s) with autosomal recessive retinitis pigmentosa (internal data). This variant is also known as c.2353-20_2353-1del. ClinVar contains an entry for this variant (Variation ID: 858775). In summary, the currently available evidence indicates that the variant is pathogenic, but additional data are needed to prove that conclusively. Therefore, this variant has been classified as Likely Pathogenic.

PreventionGenetics, part of Exact Sciences
Classification: Likely pathogenic for PDE6B-related condition. Last evaluated: 2025-04-18. Review status: criteria provided, single submitter. Criteria: ACMG Guidelines, 2015. Collection method: clinical testing. Allele origin: germline.
Comment: The PDE6B c.2353-18_2354del20 variant is predicted to result in a deletion affecting a canonical splice site. To our knowledge, this variant has not been reported in the literature or in a large population database (gnomAD), indicating this variant is rare. This variant is predicted to alter splicing based on available splicing prediction programs (SpliceAI, Jaganathan K, et al. 2019. PubMed ID: 30661751), however the use of such computer predictions programs is not equivalent to functional evidence. Variants expected to disrupt splice acceptor sites are expected to be pathogenic. This variant is interpreted as likely pathogenic.

Blueprint Genetics
Classification: Pathogenic for PDE6B-related disorders. Last evaluated: 2019-02-01. Review status: criteria provided, single submitter. Criteria: ACMG Guidelines, 2015. Collection method: clinical testing. Allele origin: germline. Affected: yes. Observed: 2 variant alleles.

Literature cited by the submitters: PubMed 16199547 (cited by Labcorp Genetics (formerly Invitae), Labcorp); PubMed 8394174 (cited by Labcorp Genetics (formerly Invitae), Labcorp); PubMed 8595886 (cited by Labcorp Genetics (formerly Invitae), Labcorp); PubMed 22334370 (cited by Labcorp Genetics (formerly Invitae), Labcorp).